The following is an entry in ClinVar:

NM_006796.3(AFG3L2):c.1664-9T>C

Gene: AFG3L2 (AFG3 like matrix AAA peptidase subunit 2; minus strand). Cytogenetic location: 18p11.21.
Variant type: single nucleotide variant.
Coding change: c.1664-9T>C on transcript NM_006796.3 (MANE Select); 9 bases into the intron before coding-DNA position 1664, T replaced by C.
Molecular consequence: intron variant.
Genome position (GRCh38, 1-based): chr18:12,344,256, A>G on the plus strand (T>C on the coding strand, the complement: AFG3L2 is on the minus strand). VCF-style: chr18-12344256-A-G. GRCh37 (hg19) VCF-style: chr18-12344255-A-G.
Identifiers: ClinVar variation 136314 (VCV000136314.53), dbSNP rs200476229, ClinGen allele CA302761.

ClinVar aggregate classification (germline): Benign. Review status: criteria provided, multiple submitters, no conflicts (2 of 4 stars). 8 submissions from 8 submitters: Benign (7). 1 of the submissions does not count toward it. Last evaluated 2026-06-01.

Conditions:
Spinocerebellar ataxia type 28 (SCA28). Also called: Spinocerebellar Ataxia Type 28 (SCA28). Identifiers: Orphanet 101109, MedGen C1853249, MONDO:0012450, OMIM 610246.

Allele frequency attached by ClinVar (database versions not stated): gnomAD 0.00182 and 0.00265; TOPMed 0.00215; ESP Exome Variant Server 0.00238; gnomAD exomes 0.00323 and 0.00526; ExAC 0.00559; 1000 Genomes Project 30x 0.00671; 1000 Genomes Project 0.00679.
gnomAD v4.1: 5,193 of 1,610,016 alleles (0.32%); highest among the groups gnomAD compares: South Asian, 2.3%; 70 homozygotes.

Submissions (8):

CeGaT Center for Human Genetics Tuebingen
Classification: Benign. Last evaluated: 2026-06-01. Review status: criteria provided, single submitter. Criteria: CeGaT Center For Human Genetics Tuebingen Variant Classification Criteria Version 2. Collection method: clinical testing. Allele origin: germline. Affected: yes. Observed: 28 variant alleles.
Comment: AFG3L2: BS1, BS2

Labcorp Genetics (formerly Invitae), Labcorp
Classification: Benign. Last evaluated: 2026-01-27. Review status: criteria provided, single submitter. Criteria: Invitae Variant Classification Sherloc (09022015). Collection method: clinical testing. Allele origin: germline.

Athena Diagnostics
Classification: Benign. Last evaluated: 2018-08-09. Review status: criteria provided, single submitter. Criteria: Athena Diagnostics Criteria. Collection method: clinical testing. Allele origin: germline.

Illumina Laboratory Services, Illumina
Classification: Benign for Spinocerebellar ataxia type 28. Last evaluated: 2018-01-12. Review status: criteria provided, single submitter. Criteria: ICSL Variant Classification Criteria 13 December 2019. Collection method: clinical testing. Allele origin: germline.
Comment: This variant was observed in the ICSL laboratory as part of a predisposition screen in an ostensibly healthy population. It had not been previously curated by ICSL or reported in the Human Gene Mutation Database (HGMD: prior to June 1st, 2018), and was therefore a candidate for classification through an automated scoring system. Utilizing variant allele frequency, disease prevalence and penetrance estimates, and inheritance mode, an automated score was calculated to assess if this variant is too frequent to cause the disease. Based on the score and internal cut-off values, a variant classified as benign is not then subjected to further curation. The score for this variant resulted in a classification of benign for this disease.

Eurofins Ntd Llc (ga)
Classification: Benign. Last evaluated: 2015-05-29. Review status: criteria provided, single submitter. Criteria: EGL Classification Definitions 2015. Collection method: clinical testing. Allele origin: germline. Observed: 1 variant allele, 1 heterozygote.

GeneDx
Classification: Benign. Last evaluated: 2013-12-30. Review status: criteria provided, single submitter. Criteria: GeneDx Variant Classification (06012015). Collection method: clinical testing. Allele origin: germline. Affected: yes.
Comment: This variant is considered likely benign or benign based on one or more of the following criteria: it is a conservative change, it occurs at a poorly conserved position in the protein, it is predicted to be benign by multiple in silico algorithms, and/or has population frequency not consistent with disease.

Breakthrough Genomics
Classification: Benign. Review status: criteria provided, single submitter. Criteria: ACMG Guidelines, 2015. Collection method: not provided. Allele origin: germline. Inheritance: Autosomal recessive inheritance. Affected: yes.

Mayo Clinic Laboratories, Mayo Clinic
Classification: Benign. Last evaluated: 2018-03-16. Review status: no assertion criteria provided. Collection method: clinical testing. Allele origin: unknown. Not counted in ClinVar's aggregate classification.

Literature cited by the submitters: PubMed 20208537 (cited by Athena Diagnostics); PubMed 20725928 (cited by Athena Diagnostics).